The following is an entry in ClinVar:

ClinVar aggregate classification (germline): Uncertain significance. Review status: criteria provided, single submitter (1 of 4 stars). 2 submissions from 2 submitters: Uncertain significance (1). 1 of the submissions does not count toward it. Last evaluated 2021-09-01.

Conditions:
Familial dysautonomia. Also called: HSAN III; FD. Identifiers: Orphanet 1764, MedGen C0013364, MONDO:0009131, OMIM 223900. Disease mechanism: loss of function.

Allele frequency attached by ClinVar (database versions not stated): TOPMed 0.00002.
gnomAD v4.1: 4 of 1,614,208 alleles (0.00025%); highest among the groups gnomAD compares: Non-Finnish European, 0.00034%; no homozygotes.

Submissions (2):

Labcorp Genetics (formerly Invitae), Labcorp
Classification: Uncertain significance. Last evaluated: 2021-09-01. Review status: criteria provided, single submitter. Criteria: Invitae Variant Classification Sherloc (09022015). Collection method: clinical testing. Allele origin: germline.
Comment: This sequence change replaces serine with asparagine at codon 1174 of the ELP1 protein (p.Ser1174Asn). The serine residue is moderately conserved and there is a small physicochemical difference between serine and asparagine. This variant is not present in population databases (ExAC no frequency). This variant has not been reported in the literature in individuals affected with ELP1-related conditions. Algorithms developed to predict the effect of missense changes on protein structure and function output the following: SIFT: "Deleterious"; PolyPhen-2: "Benign"; Align-GVGD: "Class C0". The asparagine amino acid residue is found in multiple mammalian species, which suggests that this missense change does not adversely affect protein function. In summary, the available evidence is currently insufficient to determine the role of this variant in disease. Therefore, it has been classified as a Variant of Uncertain Significance.

Natera, Inc.
Classification: Uncertain significance for Familial dysautonomia. Last evaluated: 2020-09-02. Review status: no assertion criteria provided. Collection method: clinical testing. Allele origin: germline. Not counted in ClinVar's aggregate classification.

NM_003640.5(ELP1):c.3521G>A (p.Ser1174Asn)

Gene: ELP1 (elongator acetyltransferase complex subunit 1; minus strand). Cytogenetic location: 9q31.3.
Variant type: single nucleotide variant.
Coding change: c.3521G>A on transcript NM_003640.5 (MANE Select); coding-DNA position 3521, G replaced by A.
Protein change: p.Ser1174Asn; replaces serine 1174 with asparagine.
Molecular consequence: missense variant.
Genome position (GRCh38, 1-based): chr9:108,879,497, C>T on the plus strand (G>A on the coding strand, the complement: ELP1 is on the minus strand). VCF-style: chr9-108879497-C-T. GRCh37 (hg19) VCF-style: chr9-111641777-C-T.
Other names: c.3179G>A, p.Ser1060Asn (NM_001318360.2); c.2474G>A, p.Ser825Asn (NM_001330749.2); short protein forms S1060N, S1174N, S825N.
Identifiers: ClinVar variation 960696 (VCV000960696.8), dbSNP rs143008686, ClinGen allele CA374411800.